The following is an entry in ClinVar:

NM_017849.4(TMEM127):c.274C>T (p.Leu92Phe)

Gene: TMEM127 (transmembrane protein 127; minus strand). Cytogenetic location: 2q11.2.
Variant type: single nucleotide variant.
Coding change: c.274C>T on transcript NM_017849.4 (MANE Select); coding-DNA position 274, C replaced by T.
Protein change: p.Leu92Phe; replaces leucine 92 with phenylalanine.
Molecular consequence: missense variant.
Genome position (GRCh38, 1-based): chr2:96,254,968, G>A on the plus strand (C>T on the coding strand, the complement: TMEM127 is on the minus strand). VCF-style: chr2-96254968-G-A. GRCh37 (hg19) VCF-style: chr2-96920706-G-A.
Other names: c.274C>T, p.Leu92Phe (NM_001193304.3); c.22C>T, p.Leu8Phe (NM_001407282.1, NM_001407283.1); short protein forms L8F, L92F.
Identifiers: ClinVar variation 3227069 (VCV003227069.1), dbSNP rs2467266646, ClinGen allele CA347653602.
Genomic context (GRCh38, chr2:96,254,968, plus strand): 5'-GGAAAGCGGAGAGACTACACAGGATGCCCAGGAAACAGAAGGCGGCGATGACCCGCAGGA[G>A]CAGCACTGTCTGGGGATTCATGCAGAAATCTGTAGAGGGAGAACCAAATTTTCACGGCCC-3'
Protein context (NP_060319.1, residues 82-102): DFCMNPQTVL[Leu92Phe]LRVIAAFCFL

ClinVar aggregate classification (germline): Uncertain significance (1 of 4 stars; one submission).

Conditions:
Hereditary cancer-predisposing syndrome. Also called: Neoplastic Syndromes, Hereditary; Tumor predisposition; Hereditary neoplastic syndrome; Hereditary Cancer Syndrome. Identifiers: Orphanet 140162, MedGen C0027672, MeSH D009386, MONDO:0015356.

Submission:

Ambry Genetics
Classification: Uncertain significance for Hereditary cancer-predisposing syndrome. Last evaluated: 2023-11-24. Review status: criteria provided, single submitter. Criteria: Ambry Variant Classification Scheme 2023. Collection method: clinical testing. Allele origin: germline.
Comment: The p.L92F variant (also known as c.274C>T), located in coding exon 2 of the TMEM127 gene, results from a C to T substitution at nucleotide position 274. The leucine at codon 92 is replaced by phenylalanine, an amino acid with highly similar properties. This amino acid position is conserved. In addition, this alteration is predicted to be deleterious by in silico analysis. Since supporting evidence is limited at this time, the clinical significance of this alteration remains unclear.